The following is an entry in ClinVar:

ClinVar aggregate classification (germline): Benign/Likely benign. Review status: criteria provided, multiple submitters, no conflicts (2 of 4 stars). 5 submissions from 5 submitters: Benign (4); Likely benign (1). Last evaluated 2026-02-03.

Conditions:
Hyperekplexia 2 (HKPX2). Identifiers: Orphanet 3197, MedGen C3553291, MONDO:0013828, OMIM 614619.

Allele frequency attached by ClinVar (database versions not stated): 1000 Genomes Project 0.02456; 1000 Genomes Project 30x 0.02623; ESP Exome Variant Server 0.02853; TOPMed 0.02859.
gnomAD v4.1: 7,702 of 1,613,586 alleles (0.48%); highest among the groups gnomAD compares: African/African-American, 8.6%; 285 homozygotes.

Submissions (21):

Labcorp Genetics (formerly Invitae), Labcorp
Classification: Benign for Hyperekplexia 2. Last evaluated: 2026-02-03. Review status: criteria provided, single submitter. Criteria: Invitae Variant Classification Sherloc (09022015). Collection method: clinical testing. Allele origin: germline.

Fulgent Genetics
Classification: Likely benign for Hyperekplexia 2. Last evaluated: 2021-08-06. Review status: criteria provided, single submitter. Criteria: ACMG Guidelines, 2015. Collection method: clinical testing. Allele origin: unknown.

GeneDx
Classification: Benign. Last evaluated: 2021-05-04. Review status: criteria provided, single submitter. Criteria: GeneDx Variant Classification Process June 2021. Collection method: clinical testing. Allele origin: germline. Affected: yes.

Illumina Laboratory Services, Illumina
Classification: Benign for Hyperekplexia 2. Last evaluated: 2018-01-12. Review status: criteria provided, single submitter. Criteria: ICSL Variant Classification Criteria 13 December 2019. Collection method: clinical testing. Allele origin: germline.
Comment: This variant was observed in the ICSL laboratory as part of a predisposition screen in an ostensibly healthy population. It had not been previously curated by ICSL or reported in the Human Gene Mutation Database (HGMD: prior to June 1st, 2018), and was therefore a candidate for classification through an automated scoring system. Utilizing variant allele frequency, disease prevalence and penetrance estimates, and inheritance mode, an automated score was calculated to assess if this variant is too frequent to cause the disease. Based on the score and internal cut-off values, a variant classified as benign is not then subjected to further curation. The score for this variant resulted in a classification of benign for this disease.

Breakthrough Genomics
Classification: Benign. Review status: criteria provided, single submitter. Criteria: ACMG Guidelines, 2015. Collection method: not provided. Allele origin: germline. Inheritance: Autosomal recessive inheritance. Affected: yes.

Dr. Peter K. Rogan Lab, Western University
No classification provided (evidence only). Condition: Clear cell carcinoma of kidney. Review status: no classification provided. Collection method: in vitro. Allele origin: not applicable. Functional consequence: retained intron. Not counted in ClinVar's aggregate classification.

Dr. Peter K. Rogan Lab, Western University
No classification provided (evidence only). Condition: Lung cancer. Review status: no classification provided. Collection method: in vitro. Allele origin: not applicable. Functional consequence: retained intron. Not counted in ClinVar's aggregate classification.

Dr. Peter K. Rogan Lab, Western University
No classification provided (evidence only). Condition: Lung cancer. Review status: no classification provided. Collection method: in vitro. Allele origin: not applicable. Functional consequence: retained intron. Not counted in ClinVar's aggregate classification.

Dr. Peter K. Rogan Lab, Western University
No classification provided (evidence only). Condition: Acute myeloid leukemia. Review status: no classification provided. Collection method: in vitro. Allele origin: not applicable. Functional consequence: retained intron. Not counted in ClinVar's aggregate classification.

Dr. Peter K. Rogan Lab, Western University
No classification provided (evidence only). Condition: Colon adenocarcinoma. Review status: no classification provided. Collection method: in vitro. Allele origin: not applicable. Functional consequence: retained intron. Not counted in ClinVar's aggregate classification.

Dr. Peter K. Rogan Lab, Western University
No classification provided (evidence only). Condition: Colorectal cancer. Review status: no classification provided. Collection method: in vitro. Allele origin: not applicable. Functional consequence: retained intron. Not counted in ClinVar's aggregate classification.

Dr. Peter K. Rogan Lab, Western University
No classification provided (evidence only). Condition: Colorectal cancer. Review status: no classification provided. Collection method: in vitro. Allele origin: not applicable. Functional consequence: retained intron. Not counted in ClinVar's aggregate classification.

Dr. Peter K. Rogan Lab, Western University
No classification provided (evidence only). Condition: Uterine corpus endometrial carcinoma. Review status: no classification provided. Collection method: in vitro. Allele origin: not applicable. Functional consequence: retained intron. Not counted in ClinVar's aggregate classification.

Dr. Peter K. Rogan Lab, Western University
No classification provided (evidence only). Condition: Uterine corpus endometrial carcinoma. Review status: no classification provided. Collection method: in vitro. Allele origin: not applicable. Functional consequence: retained intron. Not counted in ClinVar's aggregate classification.

Dr. Peter K. Rogan Lab, Western University
No classification provided (evidence only). Condition: Cervical cancer. Review status: no classification provided. Collection method: in vitro. Allele origin: not applicable. Functional consequence: retained intron. Not counted in ClinVar's aggregate classification.

Dr. Peter K. Rogan Lab, Western University
No classification provided (evidence only). Condition: Cervical cancer. Review status: no classification provided. Collection method: in vitro. Allele origin: not applicable. Functional consequence: retained intron. Not counted in ClinVar's aggregate classification.

Dr. Peter K. Rogan Lab, Western University
No classification provided (evidence only). Condition: Nonpapillary renal cell carcinoma. Review status: no classification provided. Collection method: in vitro. Allele origin: not applicable. Functional consequence: retained intron. Not counted in ClinVar's aggregate classification.

Dr. Peter K. Rogan Lab, Western University
No classification provided (evidence only). Condition: Thymoma. Review status: no classification provided. Collection method: in vitro. Allele origin: not applicable. Functional consequence: retained intron. Not counted in ClinVar's aggregate classification.

Dr. Peter K. Rogan Lab, Western University
No classification provided (evidence only). Condition: Ovarian serous cystadenocarcinoma. Review status: no classification provided. Collection method: in vitro. Allele origin: not applicable. Functional consequence: retained intron. Not counted in ClinVar's aggregate classification.

Dr. Peter K. Rogan Lab, Western University
No classification provided (evidence only). Condition: Ovarian serous cystadenocarcinoma. Review status: no classification provided. Collection method: in vitro. Allele origin: not applicable. Functional consequence: retained intron. Not counted in ClinVar's aggregate classification.

Dr. Peter K. Rogan Lab, Western University
No classification provided (evidence only). Condition: Malignant tumor of esophagus. Review status: no classification provided. Collection method: in vitro. Allele origin: not applicable. Functional consequence: retained intron. Not counted in ClinVar's aggregate classification.

NM_000824.5(GLRB):c.904+4A>T

Gene: GLRB (glycine receptor beta; plus strand). Cytogenetic location: 4q32.1.
Variant type: single nucleotide variant.
Coding change: c.904+4A>T on transcript NM_000824.5 (MANE Select); 4 bases into the intron after coding-DNA position 904, A replaced by T.
Molecular consequence: intron variant.
Genome position (GRCh38, 1-based): chr4:157,143,963, A>T. VCF-style: chr4-157143963-A-T. GRCh37 (hg19) VCF-style: chr4-158065115-A-T.
Other names: c.904+4A>T (NM_001166061.2, NM_001166060.2).
Identifiers: ClinVar variation 347923 (VCV000347923.19), dbSNP rs76714257, ClinGen allele CA3119890.
Genomic context (GRCh38, chr4:157,143,963, plus strand): 5'-TCTCCTGGCTTTCCTTCTGGATCAACCCGGACGCGAGTGCTGCCAGAGTGCCCCTGGGTA[A>T]GGTGTTCCATGCTTTTTTGTCACATCAGGAACAGATTATATCTTTATCTAACTTACCATA-3'